The following is an entry in ClinVar:

ClinVar aggregate classification (germline): Pathogenic. Review status: criteria provided, multiple submitters, no conflicts (2 of 4 stars). 2 submissions from 2 submitters: Pathogenic (2). Last evaluated 2024-01-15.

Conditions:
Retinitis pigmentosa (RP). Identifiers: Orphanet 791, MedGen C0035334, MeSH D012174, MONDO:0019200, OMIM 268000. Inheritance: Autosomal dominant, autosomal recessive and X linked inheritance.

gnomAD v4.1: 2 of 1,613,394 alleles (0.00012%); highest among the groups gnomAD compares: Non-Finnish European, 0.00017%; no homozygotes.

Submissions (2):

Labcorp Genetics (formerly Invitae), Labcorp
Classification: Pathogenic. Last evaluated: 2024-01-15. Review status: criteria provided, single submitter. Criteria: Invitae Variant Classification Sherloc (09022015). Collection method: clinical testing. Allele origin: germline.
Comment: This sequence change creates a premature translational stop signal (p.Tyr814*) in the PDE6B gene. It is expected to result in an absent or disrupted protein product. Loss-of-function variants in PDE6B are known to be pathogenic (PMID: 8394174, 8595886, 22334370). This variant is not present in population databases (gnomAD no frequency). This variant has not been reported in the literature in individuals affected with PDE6B-related conditions. ClinVar contains an entry for this variant (Variation ID: 802045). Algorithms developed to predict the effect of sequence changes on RNA splicing suggest that this variant may disrupt the consensus splice site. For these reasons, this variant has been classified as Pathogenic.

Mendelics
Classification: Pathogenic for Retinitis pigmentosa. Last evaluated: 2019-05-28. Review status: criteria provided, single submitter. Criteria: Mendelics Assertion Criteria 2017. Collection method: clinical testing. Allele origin: unknown.

Literature cited by the submitters: PubMed 8394174 (cited by Labcorp Genetics (formerly Invitae), Labcorp); PubMed 8595886 (cited by Labcorp Genetics (formerly Invitae), Labcorp); PubMed 22334370 (cited by Labcorp Genetics (formerly Invitae), Labcorp).

NM_000283.4(PDE6B):c.2442T>A (p.Tyr814Ter)

Gene: PDE6B (phosphodiesterase 6B; plus strand). Cytogenetic location: 4p16.3.
Variant type: single nucleotide variant.
Coding change: c.2442T>A on transcript NM_000283.4 (MANE Select); coding-DNA position 2442, T replaced by A.
Protein change: p.Tyr814Ter; replaces tyrosine 814 with a stop codon.
Molecular consequence: nonsense. On other transcripts: intron variant (2).
Genome position (GRCh38, 1-based): chr4:667,945, T>A. VCF-style: chr4-667945-T-A. GRCh37 (hg19) VCF-style: chr4-661734-T-A.
Other names: c.2442T>A, p.Tyr814Ter (NM_001145291.2); c.1605T>A, p.Tyr535Ter (NM_001145292.2, NM_001379246.1, NM_001379247.1); c.1601+4T>A (NM_001350154.3); c.1283+4T>A (NM_001350155.3); short protein forms Y535*, Y814*.
Identifiers: ClinVar variation 802045 (VCV000802045.6), dbSNP rs1577311264, ClinGen allele CA355920570.